The following is an entry in ClinVar:

NM_013275.6(ANKRD11):c.1677G>A (p.Trp559Ter)

Gene: ANKRD11 (ankyrin repeat domain 11; minus strand). Cytogenetic location: 16q24.3.
Variant type: single nucleotide variant.
Coding change: c.1677G>A on transcript NM_013275.6 (MANE Select); coding-DNA position 1677, G replaced by A.
Protein change: p.Trp559Ter; replaces tryptophan 559 with a stop codon.
Molecular consequence: nonsense.
Genome position (GRCh38, 1-based): chr16:89,284,865, C>T on the plus strand (G>A on the coding strand, the complement: ANKRD11 is on the minus strand). VCF-style: chr16-89284865-C-T. GRCh37 (hg19) VCF-style: chr16-89351273-C-T.
Other names: c.1677G>A, p.Trp559Ter (NM_001256182.2, NM_001256183.2); short protein forms W559*.
Identifiers: ClinVar variation 973137 (VCV000973137.3), dbSNP rs1411134954, ClinGen allele CA397164444.

ClinVar aggregate classification (germline): Pathogenic. Review status: criteria provided, single submitter (1 of 4 stars). 2 submissions from 2 submitters: Pathogenic (1). 1 of the submissions does not count toward it. Last evaluated 2025-03-05.

Conditions:
Intellectual disability. Also called: intellectual disabilities; Intellectual developmental disorder; Intellectual functioning disability. Identifiers: MedGen C3714756, MeSH D008607, MONDO:0001071, HP:0001249.
KBG syndrome (KBGS). Also called: ANKRD11-Related KBG Syndrome. Identifiers: Orphanet 2332, MedGen C0220687, MONDO:0007846, OMIM 148050.

Submissions (2):

Labcorp Genetics (formerly Invitae), Labcorp
Classification: Pathogenic for KBG syndrome. Last evaluated: 2025-03-05. Review status: criteria provided, single submitter. Criteria: Invitae Variant Classification Sherloc (09022015). Collection method: clinical testing. Allele origin: germline.
Comment: This sequence change creates a premature translational stop signal (p.Trp559*) in the ANKRD11 gene. It is expected to result in an absent or disrupted protein product. Loss-of-function variants in ANKRD11 are known to be pathogenic (PMID: 21782149, 25125236, 25413698, 25652421). This variant is not present in population databases (gnomAD no frequency). This variant has not been reported in the literature in individuals affected with ANKRD11-related conditions. ClinVar contains an entry for this variant (Variation ID: 973137). For these reasons, this variant has been classified as Pathogenic.

Diagnostic Laboratory, Strasbourg University Hospital
Classification: Pathogenic for Intellectual disability. Last evaluated: 2019-12-01. Review status: no assertion criteria provided. Collection method: clinical testing. Allele origin: de novo. Affected: yes. Observed: 1 heterozygote. Not counted in ClinVar's aggregate classification.

Literature cited by the submitters: PubMed 21782149 (cited by Labcorp Genetics (formerly Invitae), Labcorp); PubMed 25125236 (cited by Labcorp Genetics (formerly Invitae), Labcorp); PubMed 25413698 (cited by Labcorp Genetics (formerly Invitae), Labcorp); PubMed 25652421 (cited by Labcorp Genetics (formerly Invitae), Labcorp).